The following is an entry in ClinVar:

ClinVar aggregate classification (germline): Likely pathogenic. Review status: criteria provided, multiple submitters, no conflicts (2 of 4 stars). 3 submissions from 3 submitters: Likely pathogenic (2). 1 of the submissions does not count toward it. Last evaluated 2025-10-14.

Conditions:
Sitosterolemia 2. Identifiers: MedGen C5231453, MONDO:0020748, OMIM 618666.
ABCG5-related disorder. Also called: ABCG5-related condition.
Sitosterolemia (STSL). Also called: PHYTOSTEROLEMIA. Identifiers: Orphanet 2882, MedGen C0342907, MONDO:0008863.

gnomAD v4.1: 62 of 1,613,444 alleles (0.0038%); highest among the groups gnomAD compares: Non-Finnish European, 0.005%; no homozygotes.

Submissions (3):

PreventionGenetics, part of Exact Sciences
Classification: Likely pathogenic for ABCG5-related condition. Last evaluated: 2025-10-14. Review status: criteria provided, single submitter. Criteria: ACMG Guidelines, 2015. Collection method: clinical testing. Allele origin: germline.
Comment: The ABCG5 c.775-1G>A variant is predicted to disrupt the AG splice acceptor site and interfere with normal splicing. This variant is expected to abolish splicing at the canonical acceptor splice site according to one splicing algorithm (SpliceAI, Jaganathan et al. 2019. PubMed ID: 30661751). To our knowledge, this variant has not been reported in the literature. This variant is reported in 0.0040% of alleles in individuals of European (Finnish) descent in gnomAD. Variants that disrupt the consensus splice acceptor site in ABCG5 are expected to be pathogenic. This variant is interpreted as likely pathogenic.

Labcorp Genetics (formerly Invitae), Labcorp
Classification: Likely pathogenic for Sitosterolemia. Last evaluated: 2025-06-01. Review status: criteria provided, single submitter. Criteria: Invitae Variant Classification Sherloc (09022015). Collection method: clinical testing. Allele origin: germline.
Comment: This sequence change affects an acceptor splice site in intron 6 of the ABCG5 gene. It is expected to disrupt RNA splicing. Variants that disrupt the donor or acceptor splice site typically lead to a loss of protein function (PMID: 16199547), and loss-of-function variants in ABCG5 are known to be pathogenic (PMID: 11138003, 25665839). The frequency data for this variant in the population databases is considered unreliable, as metrics indicate poor data quality at this position in the gnomAD database. This variant has not been reported in the literature in individuals affected with ABCG5-related conditions. Algorithms developed to predict the effect of sequence changes on RNA splicing suggest that this variant may disrupt the consensus splice site. In summary, the currently available evidence indicates that the variant is pathogenic, but additional data are needed to prove that conclusively. Therefore, this variant has been classified as Likely Pathogenic.

Cardiovascular Genetics Laboratory, PathWest Laboratory Medicine WA - Fiona Stanley Hospital
Classification: Likely pathogenic for Sitosterolemia 2. Last evaluated: 2025-02-20. Review status: no assertion criteria provided. Criteria: ACMG Guidelines, 2015. Collection method: clinical testing. Allele origin: germline. Not counted in ClinVar's aggregate classification.

Literature cited by the submitters: PubMed 16199547 (cited by Labcorp Genetics (formerly Invitae), Labcorp); PubMed 11138003 (cited by Labcorp Genetics (formerly Invitae), Labcorp); PubMed 25665839 (cited by Labcorp Genetics (formerly Invitae), Labcorp).

NM_022436.3(ABCG5):c.775-1G>A

Genes: ABCG5 (ATP binding cassette subfamily G member 5; minus strand), DYNC2LI1 (dynein cytoplasmic 2 light intermediate chain 1; plus strand). Cytogenetic location: 2p21.
Variant type: single nucleotide variant.
Coding change: c.775-1G>A on transcript NM_022436.3 (MANE Select); the canonical splice acceptor site of the intron before coding-DNA position 775, G replaced by A.
Molecular consequence: splice acceptor variant. On other transcripts: intron variant (2).
Genome position (GRCh38, 1-based): chr2:43,825,019, C>T on the plus strand (G>A on the coding strand, the complement: ABCG5 is on the minus strand). VCF-style: chr2-43825019-C-T. GRCh37 (hg19) VCF-style: chr2-44052158-C-T.
Other names: c.775-1G>A (NM_022436.2); c.*16-2367C>T (NM_001348913.2, NM_001348912.2).
Identifiers: ClinVar variation 4740710 (VCV004740710.3).
Genomic context (GRCh38, chr2:43,825,019, plus strand): 5'-CGCTGGCGTGCCACAGAAAATCAGCTCTCCGAAGCTCAGGATGGCAATTTTGTCAAAGAG[C>T]TGACCAGACAACAGACGTAGTTAGTGTGTGATCACAAGGGTAGCGATGCACTTTGAATGT-3'